The following is an entry in ClinVar:

NM_000142.5(FGFR3):c.666C>T (p.Asp222=)

Gene: FGFR3 (fibroblast growth factor receptor 3; plus strand). Cytogenetic location: 4p16.3.
Variant type: single nucleotide variant.
Coding change: c.666C>T on transcript NM_000142.5 (MANE Select); coding-DNA position 666, C replaced by T.
Protein change: p.Asp222=; no amino-acid change (aspartic acid 222 retained).
Molecular consequence: synonymous variant. On other transcripts: non-coding transcript variant (1).
Genome position (GRCh38, 1-based): chr4:1,801,670, C>T. VCF-style: chr4-1801670-C-T. GRCh37 (hg19) VCF-style: chr4-1803397-C-T.
Other names: c.666C>T, p.Asp222= (NM_001163213.2, NM_001354809.2, NM_001354810.2 and 1 more transcripts).
Identifiers: ClinVar variation 289393 (VCV000289393.10), dbSNP rs201081464, ClinGen allele CA2809917.
Genomic context (GRCh38, chr4:1,801,670, plus strand): 5'-CCCGGTGCAGCTGCGGCATCAGCAGTGGAGCCTGGTCATGGAAAGCGTGGTGCCCTCGGA[C>T]CGCGGCAACTACACCTGCGTCGTGGAGAACAAGTTTGGCAGCATCCGGCAGACGTACACG-3'
Protein context (NP_000133.1, residues 212-232): SLVMESVVPS[Asp222=]RGNYTCVVEN

ClinVar aggregate classification (germline): Conflicting classifications of pathogenicity. Review status: criteria provided, conflicting classifications (1 of 4 stars). 4 submissions from 4 submitters: Uncertain significance (1); Likely benign (3). Last evaluated 2024-06-20.

Allele frequency attached by ClinVar (database versions not stated): gnomAD 0.00001 and 0.00003; gnomAD exomes 0.00002 and 0.00004; TOPMed 0.00003; ExAC 0.00006; 1000 Genomes Project 30x 0.00016; 1000 Genomes Project 0.00020.
gnomAD v4.1: 38 of 1,611,492 alleles (0.0024%); highest among the groups gnomAD compares: East Asian, 0.069%; no homozygotes.

Submissions (4):

Blueprint Genetics
Classification: Likely benign. Last evaluated: 2024-06-20. Review status: criteria provided, single submitter. Criteria: ACMG Guidelines, 2015. Collection method: clinical testing. Allele origin: germline.

Labcorp Genetics (formerly Invitae), Labcorp
Classification: Likely benign. Last evaluated: 2022-03-26. Review status: criteria provided, single submitter. Criteria: Invitae Variant Classification Sherloc (09022015). Collection method: clinical testing. Allele origin: germline.

GeneDx
Classification: Likely benign. Last evaluated: 2017-03-10. Review status: criteria provided, single submitter. Criteria: GeneDx Variant Classification (06012015). Collection method: clinical testing. Allele origin: germline. Affected: yes.
Comment: This variant is considered likely benign or benign based on one or more of the following criteria: it is a conservative change, it occurs at a poorly conserved position in the protein, it is predicted to be benign by multiple in silico algorithms, and/or has population frequency not consistent with disease.

Eurofins Ntd Llc (ga)
Classification: Uncertain significance. Last evaluated: 2016-08-03. Review status: criteria provided, single submitter. Criteria: EGL Classification Definitions 2015. Collection method: clinical testing. Allele origin: germline. Observed: 1 variant allele, 1 heterozygote.